The following is an entry in ClinVar:

ClinVar aggregate classification (germline): Uncertain significance. Review status: criteria provided, multiple submitters, no conflicts (2 of 4 stars). 5 submissions from 5 submitters: Uncertain significance (4). 1 of the submissions does not count toward it. Last evaluated 2026-01-28.

Conditions:
Hereditary cancer-predisposing syndrome. Also called: Hereditary neoplastic syndrome; Neoplastic Syndromes, Hereditary; Hereditary Cancer Syndrome; Tumor predisposition. Identifiers: Orphanet 140162, MedGen C0027672, MeSH D009386, MONDO:0015356.
KIT-related disorder. Also called: KIT-related condition.
Gastrointestinal stromal tumor. Also called: Gastrointestinal stromal tumor, somatic; Gastrointestinal stroma tumor. Identifiers: Orphanet 44890, MedGen C0238198, MeSH D046152, MONDO:0011719, OMIM 606764, HP:0100723.

Allele frequency attached by ClinVar (database versions not stated): TOPMed 0.00002.

Submissions (5):

Labcorp Genetics (formerly Invitae), Labcorp
Classification: Uncertain significance for Gastrointestinal stromal tumor. Last evaluated: 2026-01-28. Review status: criteria provided, single submitter. Criteria: Invitae Variant Classification Sherloc (09022015). Collection method: clinical testing. Allele origin: germline.
Comment: This sequence change replaces alanine, which is neutral and non-polar, with threonine, which is neutral and polar, at codon 7 of the KIT protein (p.Ala7Thr). This variant is not present in population databases (gnomAD no frequency). This variant has not been reported in the literature in individuals affected with KIT-related conditions. ClinVar contains an entry for this variant (Variation ID: 571929). An algorithm developed to predict the effect of missense changes on protein structure and function (PolyPhen-2) suggests that this variant is likely to be tolerated. In summary, the available evidence is currently insufficient to determine the role of this variant in disease. Therefore, it has been classified as a Variant of Uncertain Significance.

Ambry Genetics
Classification: Uncertain significance for Hereditary cancer-predisposing syndrome. Last evaluated: 2025-04-09. Review status: criteria provided, single submitter. Criteria: Ambry Variant Classification Scheme 2023. Collection method: clinical testing. Allele origin: germline.
Comment: The p.A7T variant (also known as c.19G>A), located in coding exon 1 of the KIT gene, results from a G to A substitution at nucleotide position 19. The alanine at codon 7 is replaced by threonine, an amino acid with similar properties. This amino acid position is highly conserved in available vertebrate species. In addition, this alteration is predicted to be tolerated by in silico analysis. Since supporting evidence is limited at this time, the clinical significance of this alteration remains unclear.

Baylor Genetics
Classification: Uncertain significance for Gastrointestinal stromal tumor. Last evaluated: 2023-11-21. Review status: criteria provided, single submitter. Criteria: ACMG Guidelines, 2015. Collection method: clinical testing. Allele origin: unknown.

GeneDx
Classification: Uncertain significance. Last evaluated: 2023-04-25. Review status: criteria provided, single submitter. Criteria: GeneDx Variant Classification Process June 2021. Collection method: clinical testing. Allele origin: germline. Affected: yes.
Comment: Not observed at significant frequency in large population cohorts (gnomAD); In silico analysis supports that this missense variant does not alter protein structure/function; Has not been previously published as pathogenic or benign to our knowledge

PreventionGenetics, part of Exact Sciences
Classification: Uncertain significance for KIT-related condition. Last evaluated: 2024-02-29. Review status: no assertion criteria provided. Collection method: clinical testing. Allele origin: germline. Not counted in ClinVar's aggregate classification.
Comment: The KIT c.19G>A variant is predicted to result in the amino acid substitution p.Ala7Thr. To our knowledge, this variant has not been reported in the literature or in a large population database, indicating this variant is rare. This variant is interpreted as a variant of uncertain significance in ClinVar. At this time, the clinical significance of this variant is uncertain due to the absence of conclusive functional and genetic evidence.

NM_000222.3(KIT):c.19G>A (p.Ala7Thr)

Gene: KIT (KIT proto-oncogene, receptor tyrosine kinase; plus strand). Cytogenetic location: 4q12.
Variant type: single nucleotide variant.
Coding change: c.19G>A on transcript NM_000222.3 (MANE Select); coding-DNA position 19, G replaced by A.
Protein change: p.Ala7Thr; replaces alanine 7 with threonine.
Molecular consequence: missense variant.
Genome position (GRCh38, 1-based): chr4:54,658,033, G>A. VCF-style: chr4-54658033-G-A. GRCh37 (hg19) VCF-style: chr4-55524200-G-A.
Other names: c.19G>A, p.Ala7Thr (NM_001093772.2, NM_001385284.1, NM_001385285.1 and 4 more transcripts); short protein forms A7T.
Identifiers: ClinVar variation 571929 (VCV000571929.16), dbSNP rs1285711357, ClinGen allele CA356897875.